The following is an entry in ClinVar:

NM_025132.4(WDR19):c.98+10C>T

Gene: WDR19 (WD repeat domain 19; plus strand). Cytogenetic location: 4p14.
Variant type: single nucleotide variant.
Coding change: c.98+10C>T on transcript NM_025132.4 (MANE Select); 10 bases into the intron after coding-DNA position 98, C replaced by T.
Molecular consequence: intron variant.
Genome position (GRCh38, 1-based): chr4:39,185,827, C>T. VCF-style: chr4-39185827-C-T. GRCh37 (hg19) VCF-style: chr4-39187447-C-T.
Other names: c.-267+10C>T (NM_001317924.2).
Identifiers: ClinVar variation 757778 (VCV000757778.10), dbSNP rs746441289, ClinGen allele CA2891522.

ClinVar aggregate classification (germline): Likely benign. Review status: criteria provided, multiple submitters, no conflicts (2 of 4 stars). 2 submissions from 2 submitters: Likely benign (2). Last evaluated 2025-12-18.

Conditions:
Asphyxiating thoracic dystrophy 5 (SRTD5). Also called: SHORT-RIB THORACIC DYSPLASIA 5 WITH OR WITHOUT POLYDACTYLY; SHORT-RIB THORACIC DYSPLASIA 5 WITHOUT POLYDACTYLY. Identifiers: Orphanet 474, MedGen C3280598, MONDO:0013717, OMIM 614376.
Senior-Loken syndrome 8 (SLSN8). Identifiers: Orphanet 3156, MedGen C4225376, MONDO:0014579, OMIM 616307.
WDR19-related disorder. Also called: WDR19-related condition; WDR19-related disorders. Identifiers: MedGen CN380161.

Allele frequency attached by ClinVar (database versions not stated): gnomAD 0.00002; TOPMed 0.00004.
gnomAD v4.1: 142 of 1,543,576 alleles (0.0092%); highest among the groups gnomAD compares: Non-Finnish European, 0.012%; no homozygotes.

Submissions (2):

PreventionGenetics, part of Exact Sciences
Classification: Likely benign for WDR19-related condition. Last evaluated: 2025-12-18. Review status: criteria provided, single submitter. Criteria: ACMG Guidelines, 2015. Collection method: clinical testing. Allele origin: germline.
Comment: This variant is classified as likely benign based on ACMG/AMP sequence variant interpretation guidelines (Richards et al. 2015 PMID: 25741868, with internal and published modifications).

Labcorp Genetics (formerly Invitae), Labcorp
Classification: Likely benign for Senior-Loken syndrome 8; Asphyxiating thoracic dystrophy 5. Last evaluated: 2025-10-19. Review status: criteria provided, single submitter. Criteria: Invitae Variant Classification Sherloc (09022015). Collection method: clinical testing. Allele origin: germline.